The following is an entry in ClinVar:

ClinVar aggregate classification (germline): Uncertain significance (1 of 4 stars; one submission).

Submission:

Labcorp Genetics (formerly Invitae), Labcorp
Classification: Uncertain significance. Last evaluated: 2024-10-08. Review status: criteria provided, single submitter. Criteria: Invitae Variant Classification Sherloc (09022015). Collection method: clinical testing. Allele origin: germline.
Comment: This sequence change replaces proline, which is neutral and non-polar, with threonine, which is neutral and polar, at codon 1859 of the EYS protein (p.Pro1859Thr). This variant is not present in population databases (gnomAD no frequency). This variant has not been reported in the literature in individuals affected with EYS-related conditions. ClinVar contains an entry for this variant (Variation ID: 2145366). Invitae Evidence Modeling of protein sequence and biophysical properties (such as structural, functional, and spatial information, amino acid conservation, physicochemical variation, residue mobility, and thermodynamic stability) indicates that this missense variant is not expected to disrupt EYS protein function with a negative predictive value of 80%. In summary, the available evidence is currently insufficient to determine the role of this variant in disease. Therefore, it has been classified as a Variant of Uncertain Significance.

NM_001142800.2(EYS):c.5575C>A (p.Pro1859Thr)

Gene: EYS (EGF-like photoreceptor maintenance factor; minus strand). Cytogenetic location: 6q12.
Variant type: single nucleotide variant.
Coding change: c.5575C>A on transcript NM_001142800.2 (MANE Select); coding-DNA position 5575, C replaced by A.
Protein change: p.Pro1859Thr; replaces proline 1859 with threonine.
Molecular consequence: missense variant.
Genome position (GRCh38, 1-based): chr6:64,590,292, G>T on the plus strand (C>A on the coding strand, the complement: EYS is on the minus strand). VCF-style: chr6-64590292-G-T. GRCh37 (hg19) VCF-style: chr6-65300185-G-T.
Other names: c.5575C>A, p.Pro1859Thr (NM_001292009.2); short protein forms P1859T.
Identifiers: ClinVar variation 2145366 (VCV002145366.4), dbSNP rs1766362463, ClinGen allele CA364780802.